The following is an entry in ClinVar:

ClinVar aggregate classification (germline): Uncertain significance (1 of 4 stars; one submission).

Conditions:
Hereditary cancer-predisposing syndrome. Also called: Tumor predisposition; Neoplastic Syndromes, Hereditary; Hereditary neoplastic syndrome; Hereditary Cancer Syndrome. Identifiers: Orphanet 140162, MedGen C0027672, MeSH D009386, MONDO:0015356.

Submission:

Ambry Genetics
Classification: Uncertain significance for Hereditary cancer-predisposing syndrome. Last evaluated: 2024-09-10. Review status: criteria provided, single submitter. Criteria: Ambry Variant Classification Scheme 2023. Collection method: clinical testing. Allele origin: germline.
Comment: The c.-1G>C variant is located in the 5' untranslated region (5&rsquo; UTR) of the BAP1 gene. This variant results from a G to C substitution 1 bases upstream from the first translated codon. This nucleotide position is well conserved in available vertebrate species. Based on the available evidence, the clinical significance of this variant remains unclear.

NM_004656.4(BAP1):c.-1G>C

Gene: BAP1 (BRCA1 associated deubiquitinase 1; minus strand). Cytogenetic location: 3p21.1.
Variant type: single nucleotide variant.
Coding change: c.-1G>C on transcript NM_004656.4 (MANE Select); 1 bases upstream of the start codon, G replaced by C.
Molecular consequence: 5 prime UTR variant.
Genome position (GRCh38, 1-based): chr3:52,409,879, C>G on the plus strand (G>C on the coding strand, the complement: BAP1 is on the minus strand). VCF-style: chr3-52409879-C-G. GRCh37 (hg19) VCF-style: chr3-52443895-C-G.
Other names: c.-1G>C (NM_001410772.1).
Identifiers: ClinVar variation 3477448 (VCV003477448.1).